The following is an entry in ClinVar:

NM_000077.5(CDKN2A):c.271_272delinsAA (p.Leu91Lys)

Gene: CDKN2A (cyclin dependent kinase inhibitor 2A; minus strand). Cytogenetic location: 9p21.3.
Variant type: Indel.
Coding change: c.271_272delinsAA on transcript NM_000077.5; coding-DNA positions 271 to 272, CT replaced by AA.
Protein change: p.Leu91Lys; replaces leucine 91 with lysine.
Molecular consequence: missense variant (on NM_000077.6). On other transcripts: 3 prime UTR variant (1).
Genome position (GRCh38, 1-based): chr9:21,971,087-21,971,088, AG replaced by TT on the plus strand (CT replaced by AA on the coding strand, the reverse complement: CDKN2A is on the minus strand). VCF-style: chr9-21971087-AG-TT. GRCh37 (hg19) VCF-style: chr9-21971086-AG-TT.
Other names: c.271_272delCTinsAA, p.Leu91Lys (NM_000077.6); c.271_272delinsAA, p.Leu91Lys (NM_001195132.2); c.118_119delinsAA, p.Leu40Lys (NM_001363763.2); c.314_315delinsAA, p.Pro105Gln (NM_058195.4); c.*194_*195delinsAA (NM_058197.5); short protein forms P105Q, L40K, L91K.
Identifiers: ClinVar variation 3657741 (VCV003657741.2).
Genomic context (GRCh38, chr9:21,971,087, plus strand): 5'-CCCCAGGCATCGCGCACGTCCAGCCGCGCCCCGGCCCGGTGCAGCACCACCAGCGTGTCC[AG>TT]GAAGCCCTCCCGGGCAGCGTCGTGCACGGGTCGGGTGAGAGTGGCGGGGTCGGCGCAGTT-3'
Protein context (NP_000068.1, residues 81-101): PVHDAAREGF[Leu91Lys]DTLVVLHRAG

ClinVar aggregate classification (germline): Uncertain significance (1 of 4 stars; one submission).

Conditions:
Familial melanoma. Also called: Hereditary melanoma; Hereditary cutaneous melanoma. Identifiers: Orphanet 618, MedGen C1512419, MONDO:0018961.

Submission:

Labcorp Genetics (formerly Invitae), Labcorp
Classification: Uncertain significance for Familial melanoma. Last evaluated: 2024-06-25. Review status: criteria provided, single submitter. Criteria: Invitae Variant Classification Sherloc (09022015). Collection method: clinical testing. Allele origin: germline.
Comment: The CDKN2A gene encodes two different proteins, p16INK4a and p14ARF, which are translated from alternative transcripts with different open reading frames. Both transcripts have been analyzed. We report either the variant with the higher classification or default to the CDKN2A (p16INK4a) variant. This report therefore includes the details for the CDKN2A (p16INK4a) variant. This sequence change replaces leucine, which is neutral and non-polar, with lysine, which is basic and polar, at codon 91 of the CDKN2A (p16INK4a) protein (p.Leu91Lys). Information on the frequency of this variant in the gnomAD database is not available, as this variant may be reported differently in the database. This variant has not been reported in the literature in individuals affected with CDKN2A (p16INK4a)-related conditions. This variant is also known as c.314_315delinsAA (p.Pro105Gln) in CDKN2A (p14ARF) transcript. An algorithm developed to predict the effect of missense changes on protein structure and function (PolyPhen-2) suggests that this variant is likely to be disruptive. In summary, the available evidence is currently insufficient to determine the role of this variant in disease. Therefore, it has been classified as a Variant of Uncertain Significance.